The following is an entry in ClinVar:

NM_000081.4(LYST):c.6266C>A (p.Ser2089Tyr)

Gene: LYST (lysosomal trafficking regulator; minus strand). Cytogenetic location: 1q42.3.
Variant type: single nucleotide variant.
Coding change: c.6266C>A on transcript NM_000081.4 (MANE Select); coding-DNA position 6266, C replaced by A.
Protein change: p.Ser2089Tyr; replaces serine 2089 with tyrosine.
Molecular consequence: missense variant.
Genome position (GRCh38, 1-based): chr1:235,759,587, G>T on the plus strand (C>A on the coding strand, the complement: LYST is on the minus strand). VCF-style: chr1-235759587-G-T. GRCh37 (hg19) VCF-style: chr1-235922887-G-T.
Other names: c.6266C>A, p.Ser2089Tyr (NM_001301365.1); short protein forms S2089Y.
Identifiers: ClinVar variation 2113086 (VCV002113086.4), dbSNP rs201842746, ClinGen allele CA344943260.

ClinVar aggregate classification (germline): Uncertain significance (1 of 4 stars; one submission).

Conditions:
Chédiak-Higashi syndrome (CHS). Also called: Chediak-Higashi Syndrome. Identifiers: Orphanet 167, MedGen C0007965, MONDO:0008963, OMIM 214500.

Submission:

Labcorp Genetics (formerly Invitae), Labcorp
Classification: Uncertain significance for Chédiak-Higashi syndrome. Last evaluated: 2023-11-27. Review status: criteria provided, single submitter. Criteria: Invitae Variant Classification Sherloc (09022015). Collection method: clinical testing. Allele origin: germline.
Comment: This sequence change replaces serine, which is neutral and polar, with tyrosine, which is neutral and polar, at codon 2089 of the LYST protein (p.Ser2089Tyr). This variant is not present in population databases (gnomAD no frequency). This variant has not been reported in the literature in individuals affected with LYST-related conditions. ClinVar contains an entry for this variant (Variation ID: 2113086). Advanced modeling of protein sequence and biophysical properties (such as structural, functional, and spatial information, amino acid conservation, physicochemical variation, residue mobility, and thermodynamic stability) performed at Invitae indicates that this missense variant is not expected to disrupt LYST protein function with a negative predictive value of 80%. In summary, the available evidence is currently insufficient to determine the role of this variant in disease. Therefore, it has been classified as a Variant of Uncertain Significance.